The following is an entry in ClinVar:

NM_000760.4(CSF3R):c.555C>G (p.His185Gln)

Gene: CSF3R (colony stimulating factor 3 receptor; minus strand). Cytogenetic location: 1p34.3.
Variant type: single nucleotide variant.
Coding change: c.555C>G on transcript NM_000760.4 (MANE Select); coding-DNA position 555, C replaced by G.
Protein change: p.His185Gln; replaces histidine 185 with glutamine.
Molecular consequence: missense variant.
Genome position (GRCh38, 1-based): chr1:36,473,553, G>C on the plus strand (C>G on the coding strand, the complement: CSF3R is on the minus strand). VCF-style: chr1-36473553-G-C. GRCh37 (hg19) VCF-style: chr1-36939154-G-C.
Other names: c.555C>G, p.His185Gln (NM_156039.3, NM_172313.3); short protein forms H185Q.
Identifiers: ClinVar variation 2716178 (VCV002716178.3), dbSNP rs750656715, ClinGen allele CA20749932.

ClinVar aggregate classification (germline): Uncertain significance (1 of 4 stars; one submission).

Conditions:
Autosomal recessive severe congenital neutropenia due to CSF3R deficiency. Also called: Neutropenia, severe congenital, 7, autosomal recessive. Identifiers: Orphanet 420702, MedGen C4310764, MONDO:0014865, OMIM 617014.

Allele frequency attached by ClinVar (database versions not stated): gnomAD exomes below 0.00001.

Submission:

Labcorp Genetics (formerly Invitae), Labcorp
Classification: Uncertain significance for Autosomal recessive severe congenital neutropenia due to CSF3R deficiency. Last evaluated: 2023-07-22. Review status: criteria provided, single submitter. Criteria: Invitae Variant Classification Sherloc (09022015). Collection method: clinical testing. Allele origin: germline.
Comment: In summary, the available evidence is currently insufficient to determine the role of this variant in disease. Therefore, it has been classified as a Variant of Uncertain Significance. Advanced modeling of protein sequence and biophysical properties (such as structural, functional, and spatial information, amino acid conservation, physicochemical variation, residue mobility, and thermodynamic stability) performed at Invitae indicates that this missense variant is not expected to disrupt CSF3R protein function. This variant has not been reported in the literature in individuals affected with CSF3R-related conditions. This variant is not present in population databases (gnomAD no frequency). This sequence change replaces histidine, which is basic and polar, with glutamine, which is neutral and polar, at codon 185 of the CSF3R protein (p.His185Gln).